The following is an entry in ClinVar:

NM_032119.4(ADGRV1):c.14950G>T (p.Ala4984Ser)

Gene: ADGRV1 (adhesion G protein-coupled receptor V1; plus strand). Cytogenetic location: 5q14.3.
Variant type: single nucleotide variant.
Coding change: c.14950G>T on transcript NM_032119.4 (MANE Select); coding-DNA position 14950, G replaced by T.
Protein change: p.Ala4984Ser; replaces alanine 4984 with serine.
Molecular consequence: missense variant. On other transcripts: non-coding transcript variant (1).
Genome position (GRCh38, 1-based): chr5:90,807,715, G>T. VCF-style: chr5-90807715-G-T. GRCh37 (hg19) VCF-style: chr5-90103532-G-T.
Other names: c.14950G>T (NM_032119.3); short protein forms A4984S.
Identifiers: ClinVar variation 1519651 (VCV001519651.7), dbSNP rs776990064, ClinGen allele CA3341836.
Genomic context (GRCh38, chr5:90,807,715, plus strand): 5'-TTTCCTAGCCCTGGTTGGCCAGAGGCCTTTGTTCTTCACCTATCAGGAGTGCAGAGCAGT[G>T]CTCCTGGCGGAGCTCAACTCCGGTAAGACCAACCTCATTCTCACCCAAGAAATTCTCTGA-3'
Protein context (NP_115495.3, residues 4974-4994): VLHLSGVQSS[Ala4984Ser]PGGAQLRSGF

ClinVar aggregate classification (germline): Conflicting classifications of pathogenicity. Review status: criteria provided, conflicting classifications (1 of 4 stars). 2 submissions from 2 submitters: Uncertain significance (1); Likely benign (1). Last evaluated 2025-12-15.

Allele frequency attached by ClinVar (database versions not stated): gnomAD 0.00001; ExAC 0.00003; TOPMed 0.00005; gnomAD exomes 0.00006.
gnomAD v4.1: 37 of 1,565,412 alleles (0.0024%); highest among the groups gnomAD compares: Admixed American, 0.025%; no homozygotes.

Submissions (2):

Labcorp Genetics (formerly Invitae), Labcorp
Classification: Likely benign. Last evaluated: 2025-12-15. Review status: criteria provided, single submitter. Criteria: Invitae Variant Classification Sherloc (09022015). Collection method: clinical testing. Allele origin: germline.

GeneDx
Classification: Uncertain significance. Last evaluated: 2025-05-30. Review status: criteria provided, single submitter. Criteria: GeneDx Variant Classification Process June 2021. Collection method: clinical testing. Allele origin: germline. Affected: yes.
Comment: In silico analysis suggests that this missense variant does not alter protein structure/function; Has not been previously published as pathogenic or benign to our knowledge